The following is an entry in ClinVar:

NM_001042492.3(NF1):c.4835+2T>G

Gene: NF1 (neurofibromin 1; plus strand). Cytogenetic location: 17q11.2.
Variant type: single nucleotide variant.
Coding change: c.4835+2T>G on transcript NM_001042492.3 (MANE Select); the canonical splice donor site of the intron after coding-DNA position 4835, T replaced by G.
Molecular consequence: splice donor variant.
Genome position (GRCh38, 1-based): chr17:31,265,341, T>G. VCF-style: chr17-31265341-T-G. GRCh37 (hg19) VCF-style: chr17-29592359-T-G.
Other names: c.4772+2T>G (NM_000267.4).
Identifiers: ClinVar variation 1070050 (VCV001070050.5), dbSNP rs2067767535, ClinGen allele CA399001397.

ClinVar aggregate classification (germline): Pathogenic (1 of 4 stars; one submission).

Conditions:
Neurofibromatosis, type 1 (NF1). Also called: VON RECKLINGHAUSEN DISEASE; Peripheral type neurofibromatosis; NEUROFIBROMATOSIS, TYPE I, SOMATIC; Neurofibromatosis, type I. Identifiers: Orphanet 636, MedGen C0027831, MONDO:0018975, OMIM 162200. Disease mechanism: loss of function.

Submission:

Labcorp Genetics (formerly Invitae), Labcorp
Classification: Pathogenic for Neurofibromatosis, type 1. Last evaluated: 2021-04-11. Review status: criteria provided, single submitter. Criteria: Invitae Variant Classification Sherloc (09022015). Collection method: clinical testing. Allele origin: germline.
Comment: This variant disrupts the p.Ala1575 amino acid residue in NF1. Other variant(s) that disrupt this residue have been determined to be pathogenic (PMID: 31573083, Invitae). This suggests that this residue is clinically significant, and that variants that disrupt this residue are likely to be disease-causing. For these reasons, this variant has been classified as Pathogenic. Studies have shown that this variant is associated with the activation of a cryptic splice site in exon 35 (PMID:23913538). Disruption of this splice site has been observed in individual(s) with neurofibromatosis type 1 (PMID: 23913538, Invitae). This variant is not present in population databases (ExAC no frequency). This sequence change affects a donor splice site in intron 35 of the NF1 gene. RNA analysis indicates that this variant induces altered splicing and likely results in the loss of 23 amino acid residue(s), but is expected to preserve the integrity of the reading-frame.

Literature cited by the submitters: PubMed 31573083; PubMed 23913538.